The following is an entry in ClinVar:

NC_000019.9:g.(50204113_50204573)_(50204892_50207966)del

Gene: CPT1C (carnitine palmitoyltransferase 1C; plus strand). Cytogenetic location: 19q13.33.
Variant type: Deletion.
Identifiers: ClinVar variation 2445955 (VCV002445955.2).

ClinVar aggregate classification (germline): Uncertain significance (1 of 4 stars; one submission).

Submission:

Women's Health and Genetics/Laboratory Corporation of America, LabCorp
Classification: Uncertain significance. Last evaluated: 2024-06-19. Review status: criteria provided, single submitter. Criteria: LabCorp Variant Classification Summary - May 2015. Collection method: clinical testing. Allele origin: germline.
Comment: Variant summary: The variant involves the deletion of exons 6-7 in the CPT1C gene. A presumed nomenclature of c.(453+1_454-1)_(693+1_694-1)del has been designated for the purposes of this classification. This Copy Number Variant (CNV) is predicted to result in an in-frame deletion within this gene. The variant was absent in 21694 control chromosomes in the gnomAD database, structural variants dataset. The available data on variant occurrences in the general population are insufficient to allow any conclusion about variant significance. To our knowledge, no occurrence of c.(453+1_454-1)_(693+1_694-1)del in individuals affected with Hereditary Spastic Paraplegia 73 and no experimental evidence demonstrating its impact on protein function have been reported. No submitters have cited clinical-significance assessments for this variant to ClinVar. Based on the evidence outlined above, the variant was classified as uncertain significance.